The following is an entry in ClinVar:

NM_005026.5(PIK3CD):c.1573G>A (p.Glu525Lys)

Gene: PIK3CD (phosphatidylinositol-4,5-bisphosphate 3-kinase catalytic subunit delta; plus strand). Cytogenetic location: 1p36.22.
Variant type: single nucleotide variant.
Coding change: c.1573G>A on transcript NM_005026.5 (MANE Select); coding-DNA position 1573, G replaced by A.
Protein change: p.Glu525Lys; replaces glutamic acid 525 with lysine.
Molecular consequence: missense variant.
Genome position (GRCh38, 1-based): chr1:9,720,793, G>A. VCF-style: chr1-9720793-G-A. GRCh37 (hg19) VCF-style: chr1-9780851-G-A.
Other names: NM_005026.5(PIK3CD):c.1573G>A; p.Glu525Lys; c.1570G>A, p.Glu524Lys (NM_001350234.2); c.1486G>A, p.Glu496Lys (NM_001350235.1); c.1573G>A (LRG_191t1); short protein forms E525K, E496K, E524K.
Identifiers: ClinVar variation 132807 (VCV000132807.45), dbSNP rs587777389, ClinGen allele CA156207.

ClinVar aggregate classification (germline): Pathogenic. Review status: reviewed by expert panel (3 of 4 stars). 6 submissions from 6 submitters: Pathogenic (1). 5 of the submissions do not count toward it. Last evaluated 2025-12-19.

Conditions:
PIK3CD-related disorder. Also called: PIK3CD-related condition.
Immunodeficiency 14 (IMD14A). Also called: ACTIVATED PI3K-DELTA SYNDROME 1; Activated PI3K Delta Syndrome Type 1 (APDS1); p110-DELTA-ACTIVATING MUTATION CAUSING SENESCENT T CELLS, LYMPHADENOPATHY, AND IMMUNODEFICIENCY; IMMUNODEFICIENCY 14A WITH LYMPHOPROLIFERATION, AUTOSOMAL DOMINANT. Identifiers: Orphanet 397596, Orphanet 693661, MedGen C5907821, MONDO:0014222, OMIM 615513.

Submissions (6):

ClinGen Primary Immune Regulatory Disorders Variant Curation Expert Panel, ClinGen
Classification: Pathogenic for Immunodeficiency 14. Last evaluated: 2025-12-19. Review status: reviewed by expert panel. Criteria: ClinGen AbDef ACMG Specifications PIK3CD V1.0.0. Collection method: curation. Allele origin: germline. Inheritance: Autosomal dominant inheritance.
Comment: NM_005026.5(PIK3CD):c.1573G>A (p.Glu525Lys) is a missense variant causing substitution of glutamate with lysine at amino acid 525. At least two other missense variants affecting the same amino acid residue, NM_005026.5(PIK3CD):c.1574A>G (p.Glu525Gly) and NM_005026.5(PIK3CD):c.1574A>G (p.Glu525Ala), are described in the PIK3CD literature (PMID: 34692603). However, PM5 has not been evaluated in order to avoid circularity. This variant is absent from gnomAD v4.1.0 (PM2_Supporting). This variant has been reported in at least 5 unrelated probands meeting the VCEP standard for phenotypic criteria. In 3 cases, the proband reached 6 phenotypic points with genotyping that excluded causes in other loci (PMID: 24165795). In 2 other cases, the proband exceeded 10 phenotype points but lacked genotyping that excluded causes in other loci (PMID: 28190860, PMID: 28104464; PS4). A 6th family was reported in multiple publications but did not reach sufficient phenotype points for inclusion (PMID: 27577878, PMID: 28327206, PMID: 29330011). At least one patient harboring this variant had a phenotype including recurrent sinopulmonary infections (4 pts), chronic active Epstein-Barr virus infection (3 pts), lymphocytic infiltration of various mucosa, and high B memory cells, as well as use of whole exome sequencing-based genotyping to rule out alternative genetic causes in other loci, which together was not sufficient to establish specificity for immunodeficiency 14, so PP4 was not met. Additionally, AKT phosphorylation at Thr308 in patient CD4+ or CD8+ T cell blasts was increased relative to control cells from healthy control patients (PMID: 24165795). This variant has been identified as a potential de novo occurrence with untested parental relationships in 1 individual, which was insufficient to apply the PS2_Moderate code (PMID: 27577878). The most recent genotyping analysis of this individual yielded a result more consistent with full heterozygosity (PMID: 29330011). The variant has been reported to segregate with the immunodeficiency phenotype within the proband and 2 additional affected family members in at least two apparently unrelated families (PMID: 24165795, PMID: 29330011, PP1_Strong). AKT kinase activity assays (both in vitro), lipid kinase activity assay, PIK3R1 protein binding assay, and hydrogen-deuterium exchange mass spectrometry-based conformational dynamics assays collectively support a damaging effect of the variant on the gene product (PS3_Supporting, PMID: 24165795, PMID: 28167755). The computational predictor REVEL gives a score of 0.400, which is below the ClinGen Antibody Deficiencies VCEP threshold of >0.644 and does not predict a damaging effect on PIK3CD function. The computational predictor CADD gives a PHRED score of 29.6, which is above the ClinGen Antibody Deficiencies VCEP threshold of >25.3 and predicts a deleterious effect on PIK3CD function. Because the two predictors do not agree on a damaging effect, the PP3 code is not met. In summary, this variant meets the criteria to be classified as pathogenic for immunodeficiency 14 based on the ACMG/AMP criteria applied, as specified by the ClinGen Antibody Deficiencies VCEP: PS4, PS3_Supporting, PM2_Supporting, and PP1_Strong. (VCEP specifications version 1.0.0).

Labcorp Genetics (formerly Invitae), Labcorp
Classification: Pathogenic for Activated PI3K-delta syndrome. Last evaluated: 2024-10-14. Review status: criteria provided, single submitter. Criteria: Invitae Variant Classification Sherloc (09022015). Collection method: clinical testing. Allele origin: germline. Not counted in ClinVar's aggregate classification.
Comment: This sequence change replaces glutamic acid, which is acidic and polar, with lysine, which is basic and polar, at codon 525 of the PIK3CD protein (p.Glu525Lys). This variant is not present in population databases (gnomAD no frequency). This missense change has been observed in individuals with activated PI3K-delta syndrome (PMID: 24165795, 27555459, 27577878, 28104464, 28190860, 29330011). It has also been observed to segregate with disease in related individuals. ClinVar contains an entry for this variant (Variation ID: 132807). Invitae Evidence Modeling of protein sequence and biophysical properties (such as structural, functional, and spatial information, amino acid conservation, physicochemical variation, residue mobility, and thermodynamic stability) indicates that this missense variant is expected to disrupt PIK3CD protein function with a positive predictive value of 80%. Experimental studies have shown that this missense change affects PIK3CD function (PMID: 24165795, 28167755, 29330011). For these reasons, this variant has been classified as Pathogenic.

Neuberg Centre For Genomic Medicine, NCGM
Classification: Likely pathogenic for Immunodeficiency 14. Review status: criteria provided, single submitter. Criteria: ACMG Guidelines, 2015. Collection method: clinical testing. Allele origin: germline. Affected: yes. Not counted in ClinVar's aggregate classification.
Comment: The missense variant p.E525K in PIK3CD (NM_005026.5) has been reported in an affected individual (Lucas et al, 2014). It has been submitted to ClinVar as Pathogenic. The p.E525K variant is novel (not in any individuals) in gnomAD Exomes and is novel (not in any individuals) in 1000 Genomes. The p.E525K missense variant is predicted to be damaging by both SIFT and PolyPhen2. The glutamic acid residue at codon 525 of PIK3CD is conserved in all mammalian species. The nucleotide c.1573 in PIK3CD is predicted conserved by GERP++ and PhyloP across 100 vertebrates. For these reasons, this variant has been classified as Likely Pathogenic.

PreventionGenetics, part of Exact Sciences
Classification: Pathogenic for PIK3CD-related condition. Last evaluated: 2024-03-06. Review status: no assertion criteria provided. Collection method: clinical testing. Allele origin: germline. Not counted in ClinVar's aggregate classification.
Comment: The PIK3CD c.1573G>A variant is predicted to result in the amino acid substitution p.Glu525Lys. This variant has been reported in the heterozygous state in multiple individuals with activated phosphoinositide 3-kinase delta syndrome (see for example, Lucas et al. 2014. PubMed ID: 24165795; Table S1, Stray-Pedersen et al. 2016. PubMed ID: 27577878; Table S3, Similuk et al. 2022. PubMed ID: 35753512). This variant has not been reported in a large population database, indicating this variant is rare. Alternate nucleotide substitutions affecting the same amino acid (p.Glu525Gly and p.Glu525Ala) have been reported in multiple individuals with activated phosphoinositide 3-kinase delta syndrome or primary immunodeficiency (Figure 2, de novo, Marzollo et al. 2021. PubMed ID: 34692603; Figure 1, Tsujita et al. 2016. PubMed ID: 27426521). The c.1573G>A (p.Glu525Lys) variant is interpreted as pathogenic.

OMIM
Classification: Pathogenic for IMMUNODEFICIENCY 14A WITH LYMPHOPROLIFERATION, AUTOSOMAL DOMINANT. Last evaluated: 2014-01-01. Review status: no assertion criteria provided. Collection method: literature only. Allele origin: germline. Not counted in ClinVar's aggregate classification.

Lupski Lab, Baylor-Hopkins CMG, Baylor College of Medicine
Classification: Pathogenic for Immunodeficiency 14. Review status: no assertion criteria provided. Collection method: research. Allele origin: de novo. Inheritance: Autosomal dominant inheritance. Affected: yes. Not counted in ClinVar's aggregate classification.

Literature cited by the submitters: PubMed 24165795 (cited by Labcorp Genetics (formerly Invitae), Labcorp and OMIM); PubMed 27555459 (cited by Labcorp Genetics (formerly Invitae), Labcorp); PubMed 27577878 (cited by Labcorp Genetics (formerly Invitae), Labcorp); PubMed 28104464 (cited by Labcorp Genetics (formerly Invitae), Labcorp); PubMed 28190860 (cited by Labcorp Genetics (formerly Invitae), Labcorp); PubMed 29330011 (cited by Labcorp Genetics (formerly Invitae), Labcorp); PubMed 28167755 (cited by Labcorp Genetics (formerly Invitae), Labcorp).